The following is an entry in ClinVar:

NM_006231.4(POLE):c.1982C>G (p.Ala661Gly)

Gene: POLE (DNA polymerase epsilon, catalytic subunit; minus strand). Cytogenetic location: 12q24.33.
Variant type: single nucleotide variant.
Coding change: c.1982C>G on transcript NM_006231.4 (MANE Select); coding-DNA position 1982, C replaced by G.
Protein change: p.Ala661Gly; replaces alanine 661 with glycine.
Molecular consequence: missense variant.
Genome position (GRCh38, 1-based): chr12:132,668,679, G>C on the plus strand (C>G on the coding strand, the complement: POLE is on the minus strand). VCF-style: chr12-132668679-G-C. GRCh37 (hg19) VCF-style: chr12-133245265-G-C.
Other names: c.1982C>G (NM_006231.2); short protein forms A661G.
Identifiers: ClinVar variation 843018 (VCV000843018.11), dbSNP rs2042853761, ClinGen allele CA387354950.
Genomic context (GRCh38, chr12:132,668,679, plus strand): 5'-GGCGGCCGACACTCACTGAACTCGCCCCTCCACTGCCAGGCCATCTTCCGCTGGCAGTTT[G>C]CTCCAGGCTTATTGAAGTCACAGGCAGCACAGGTGGCTTCGTCCACCATGGCAGAGGGCT-3'
Protein context (NP_006222.2, residues 651-671): CAACDFNKPG[Ala661Gly]NCQRKMAWQW

ClinVar aggregate classification (germline): Uncertain significance. Review status: criteria provided, multiple submitters, no conflicts (2 of 4 stars). 2 submissions from 2 submitters: Uncertain significance (2). Last evaluated 2026-05-14.

Conditions:
Hereditary cancer-predisposing syndrome. Also called: Tumor predisposition; Neoplastic Syndromes, Hereditary; Hereditary neoplastic syndrome; Hereditary Cancer Syndrome. Identifiers: Orphanet 140162, MedGen C0027672, MeSH D009386, MONDO:0015356.

Allele frequency attached by ClinVar (database versions not stated): gnomAD exomes below 0.00001.
gnomAD v4.1: 1 of 1,614,012 alleles (0.000062%); highest among the groups gnomAD compares: Non-Finnish European, 0.000085%; no homozygotes.

Submissions (2):

Ambry Genetics
Classification: Uncertain significance for Hereditary cancer-predisposing syndrome. Last evaluated: 2026-05-14. Review status: criteria provided, single submitter. Criteria: Ambry Variant Classification Scheme 2023. Collection method: clinical testing. Allele origin: germline.
Comment: The p.A661G variant (also known as c.1982C>G), located in coding exon 18 of the POLE gene, results from a C to G substitution at nucleotide position 1982. The alanine at codon 661 is replaced by glycine, an amino acid with similar properties. This amino acid position is conserved. In addition, the in silico prediction for this alteration is inconclusive. Based on the available evidence, the clinical significance of this variant remains unclear.

Labcorp Genetics (formerly Invitae), Labcorp
Classification: Uncertain significance. Last evaluated: 2021-07-17. Review status: criteria provided, single submitter. Criteria: Invitae Variant Classification Sherloc (09022015). Collection method: clinical testing. Allele origin: germline.
Comment: This sequence change replaces alanine with glycine at codon 661 of the POLE protein (p.Ala661Gly). The alanine residue is highly conserved and there is a small physicochemical difference between alanine and glycine. This variant is not present in population databases (ExAC no frequency). This variant has not been reported in the literature in individuals with POLE-related conditions. Algorithms developed to predict the effect of missense changes on protein structure and function are either unavailable or do not agree on the potential impact of this missense change (SIFT: "Tolerated"; PolyPhen-2: "Possibly Damaging"; Align-GVGD: "Class C0"). In summary, the available evidence is currently insufficient to determine the role of this variant in disease. Therefore, it has been classified as a Variant of Uncertain Significance.